The following is an entry in ClinVar:

ClinVar aggregate classification (germline): Uncertain significance (1 of 4 stars; one submission).

Conditions:
TTN-related disorder. Also called: TTN-related condition; TTN-related disease; TTN-related disorders.

gnomAD v4.1: 58 of 1,611,930 alleles (0.0036%); highest among the groups gnomAD compares: South Asian, 0.055%; no homozygotes.

Submission:

PreventionGenetics, part of Exact Sciences
Classification: Uncertain significance for TTN-related condition. Last evaluated: 2025-05-22. Review status: criteria provided, single submitter. Criteria: ACMG Guidelines, 2015. Collection method: clinical testing. Allele origin: germline.
Comment: The TTN c.32723T>A variant is predicted to result in the amino acid substitution p.Val10908Glu. To our knowledge, this variant has not been reported in the literature. This variant is reported in 0.049% of alleles in individuals of South Asian descent in gnomAD. At this time, the clinical significance of this variant is uncertain due to the absence of conclusive functional and genetic evidence.

NM_001267550.2(TTN):c.32723T>A (p.Val10908Glu)

Gene: TTN (titin; minus strand). Cytogenetic location: 2q31.2.
Variant type: single nucleotide variant.
Coding change: c.32723T>A on transcript NM_001267550.2 (MANE Select); coding-DNA position 32723, T replaced by A.
Protein change: p.Val10908Glu; replaces valine 10908 with glutamic acid.
Molecular consequence: missense variant. On other transcripts: intron variant (3).
Genome position (GRCh38, 1-based): chr2:178,684,082, A>T on the plus strand (T>A on the coding strand, the complement: TTN is on the minus strand). VCF-style: chr2-178684082-A-T. GRCh37 (hg19) VCF-style: chr2-179548809-A-T.
Other names: c.31772T>A, p.Val10591Glu (NM_001256850.1); c.28991T>A, p.Val9664Glu (NM_133378.4); c.13283-41765T>A (NM_003319.4); c.13859-41765T>A (NM_133437.4); c.13658-41765T>A (NM_133432.3); short protein forms V10591E, V9664E, V10908E.
Identifiers: ClinVar variation 4979737 (VCV004979737.1).